The following is an entry in ClinVar:

NM_000243.3(MEFV):c.1501C>T (p.Arg501Cys)

Gene: MEFV (MEFV innate immunity regulator, pyrin; minus strand). Cytogenetic location: 16p13.3.
Variant type: single nucleotide variant.
Coding change: c.1501C>T on transcript NM_000243.3 (MANE Select); coding-DNA position 1501, C replaced by T.
Protein change: p.Arg501Cys; replaces arginine 501 with cysteine.
Molecular consequence: missense variant.
Genome position (GRCh38, 1-based): chr16:3,247,102, G>A on the plus strand (C>T on the coding strand, the complement: MEFV is on the minus strand). VCF-style: chr16-3247102-G-A. GRCh37 (hg19) VCF-style: chr16-3297102-G-A.
Other names: c.868C>T, p.Arg290Cys (NM_001198536.2); short protein forms R290C, R501C.
Identifiers: ClinVar variation 918136 (VCV000918136.4), dbSNP rs104895101, ClinGen allele CA7860115.

ClinVar aggregate classification (germline): Conflicting classifications of pathogenicity. Review status: criteria provided, conflicting classifications (1 of 4 stars). 6 submissions from 4 submitters: Uncertain significance (2); Benign (3). 1 of the submissions does not count toward it. Last evaluated 2023-02-08.

Conditions:
Familial Mediterranean fever, autosomal dominant. Also called: Dominant Familial Mediterranean Fever; FMF, AUTOSOMAL DOMINANT. Identifiers: Orphanet 342, MedGen C1851347, MONDO:0007601, OMIM 134610.
Familial Mediterranean fever (FMF). Also called: POLYSEROSITIS, FAMILIAL PAROXYSMAL; POLYSEROSITIS, RECURRENT; Periodic peritonitis; Benign paroxysmal peritonitis. Identifiers: Orphanet 342, MedGen C0031069, MONDO:0018088, OMIM 249100. Disease mechanism: gain of function.
Acute febrile neutrophilic dermatosis (AFND). Also called: Sweet Syndrome; Gomm Button disease. Identifiers: Orphanet 3243, MedGen C0085077, MONDO:0011959, OMIM 608068.

Allele frequency attached by ClinVar (database versions not stated): gnomAD exomes below 0.00001 and 0.00002; TOPMed 0.00001; ExAC 0.00002; gnomAD 0.00001.
gnomAD v4.1: 11 of 1,614,046 alleles (0.00068%); highest among the groups gnomAD compares: Admixed American, 0.0083%; no homozygotes.

Submissions (6):

Genome-Nilou Lab
Classification: Benign for Familial Mediterranean fever. Last evaluated: 2023-02-08. Review status: criteria provided, single submitter. Criteria: ACMG Guidelines, 2015. Collection method: clinical testing. Allele origin: germline.

Genome-Nilou Lab
Classification: Benign for Familial Mediterranean fever, autosomal dominant. Last evaluated: 2023-02-08. Review status: criteria provided, single submitter. Criteria: ACMG Guidelines, 2015. Collection method: clinical testing. Allele origin: germline.

Genome-Nilou Lab
Classification: Benign for Acute febrile neutrophilic dermatosis. Last evaluated: 2023-02-08. Review status: criteria provided, single submitter. Criteria: ACMG Guidelines, 2015. Collection method: clinical testing. Allele origin: germline.

Fulgent Genetics
Classification: Uncertain significance for Familial Mediterranean fever, autosomal dominant; Familial Mediterranean fever; Acute febrile neutrophilic dermatosis. Last evaluated: 2021-11-23. Review status: criteria provided, single submitter. Criteria: ACMG Guidelines, 2015. Collection method: clinical testing. Allele origin: unknown.

Women's Health and Genetics/Laboratory Corporation of America, LabCorp
Classification: Uncertain significance. Last evaluated: 2020-03-05. Review status: criteria provided, single submitter. Criteria: LabCorp Variant Classification Summary - May 2015. Collection method: clinical testing. Allele origin: germline.
Comment: Variant summary: MEFV c.1501C>T (p.Arg501Cys) results in a non-conservative amino acid change in the encoded protein sequence. Four of five in-silico tools predict a damaging effect of the variant on protein function. The variant allele was found at a frequency of 2.4e-05 in 251490 control chromosomes, predominantly at a frequency of 0.00014 within the Latino subpopulation in the gnomAD database. The available data on variant occurrences in the general population are insufficient to allow any conclusion about variant significance. c.1501C>T has been reported in the literature in an individual affected with Familial Mediterranean Fever (Berdeli_2013). This report however, does not provide unequivocal conclusions about association of the variant with Familial Mediterranean Fever. To our knowledge, no experimental evidence demonstrating an impact on protein function has been reported. No clinical diagnostic laboratories have submitted clinical-significance assessments for this variant to ClinVar after 2014. Based on the evidence outlined above, the variant was classified as uncertain significance.

Natera, Inc.
Classification: Uncertain significance for Familial Mediterranean fever. Last evaluated: 2020-07-10. Review status: no assertion criteria provided. Collection method: clinical testing. Allele origin: germline. Not counted in ClinVar's aggregate classification.

Literature cited by the submitters: PubMed 24117178 (cited by Women's Health and Genetics/Laboratory Corporation of America, LabCorp); PubMed 25760918 (cited by Women's Health and Genetics/Laboratory Corporation of America, LabCorp); PubMed 29599418 (cited by Women's Health and Genetics/Laboratory Corporation of America, LabCorp); PubMed 31411330 (cited by Women's Health and Genetics/Laboratory Corporation of America, LabCorp); PubMed 31329540 (cited by Women's Health and Genetics/Laboratory Corporation of America, LabCorp).